The following is an entry in ClinVar:

ClinVar aggregate classification (germline): Uncertain significance (1 of 4 stars; one submission).

Conditions:
Ehlers-Danlos syndrome, classic type, 1 (EDSCL1). Also called: EHLERS-DANLOS SYNDROME, GRAVIS TYPE; EHLERS-DANLOS SYNDROME, SEVERE CLASSIC TYPE; Ehlers-Danlos syndrome, type 1; Ehlers-Danlos Syndrome, Classic Type, COL5A1-Related; EDS I. Identifiers: MedGen C0268335, MONDO:0019567, OMIM 130000.

Submission:

Labcorp Genetics (formerly Invitae), Labcorp
Classification: Uncertain significance for Ehlers-Danlos syndrome, classic type, 1. Last evaluated: 2021-09-29. Review status: criteria provided, single submitter. Criteria: Invitae Variant Classification Sherloc (09022015). Collection method: clinical testing. Allele origin: germline.
Comment: In summary, the available evidence is currently insufficient to determine the role of this variant in disease. Therefore, it has been classified as a Variant of Uncertain Significance. Advanced modeling of protein sequence and biophysical properties (such as structural, functional, and spatial information, amino acid conservation, physicochemical variation, residue mobility, and thermodynamic stability) performed at Invitae indicates that this missense variant is expected to disrupt COL5A2 protein function. This variant has not been reported in the literature in individuals affected with COL5A2-related conditions. This variant is not present in population databases (ExAC no frequency). This sequence change replaces glycine with arginine at codon 894 of the COL5A2 protein (p.Gly894Arg). The glycine residue is highly conserved and there is a moderate physicochemical difference between glycine and arginine.

NM_000393.5(COL5A2):c.2680G>C (p.Gly894Arg)

Gene: COL5A2 (collagen type V alpha 2 chain; minus strand). Cytogenetic location: 2q32.2.
Variant type: single nucleotide variant.
Coding change: c.2680G>C on transcript NM_000393.5 (MANE Select); coding-DNA position 2680, G replaced by C.
Protein change: p.Gly894Arg; replaces glycine 894 with arginine.
Molecular consequence: missense variant.
Genome position (GRCh38, 1-based): chr2:189,052,784, C>G on the plus strand (G>C on the coding strand, the complement: COL5A2 is on the minus strand). VCF-style: chr2-189052784-C-G. GRCh37 (hg19) VCF-style: chr2-189917510-C-G.
Other names: short protein forms G894R.
Identifiers: ClinVar variation 1429421 (VCV001429421.6), dbSNP rs2105563064, ClinGen allele CA349870759.